The following is an entry in ClinVar:

NM_001354604.2(MITF):c.632G>T (p.Gly211Val)

Gene: MITF (melanocyte inducing transcription factor; plus strand). Cytogenetic location: 3p13.
Variant type: single nucleotide variant.
Coding change: c.632G>T on transcript NM_001354604.2 (MANE Select); coding-DNA position 632, G replaced by T.
Protein change: p.Gly211Val; replaces glycine 211 with valine.
Molecular consequence: missense variant.
Genome position (GRCh38, 1-based): chr3:69,939,147, G>T. VCF-style: chr3-69939147-G-T. GRCh37 (hg19) VCF-style: chr3-69988298-G-T.
Other names: c.311G>T, p.Gly104Val (NM_000248.4, NM_198158.3); c.476G>T, p.Gly159Val (NM_001184967.2, NM_001354608.2); c.629G>T, p.Gly210Val (NM_001354605.2, NM_001354606.2, NM_006722.3); c.581G>T, p.Gly194Val (NM_001354607.2); c.632G>T, p.Gly211Val (NM_198159.3); c.584G>T, p.Gly195Val (NM_198177.3); c.143G>T, p.Gly48Val (NM_198178.3); short protein forms G159V, G195V, G210V, G194V, G104V, G48V, G211V.
Identifiers: ClinVar variation 2921912 (VCV002921912.3), dbSNP rs149249176, ClinGen allele CA353560927.
Genomic context (GRCh38, chr3:69,939,147, plus strand): 5'-TGTTTTTGCAGGGATTTTATAAGTTTGAAGAGCAAAACAGGGCAGAGAGCGAGTGCCCAG[G>T]CATGAACACACATTCACGAGCGTCCTGTATGCAGGTACTGAATGACTTGGCAGCCTGAGG-3'
Protein context (NP_001341533.1, residues 201-221): EQNRAESECP[Gly211Val]MNTHSRASCM

ClinVar aggregate classification (germline): Uncertain significance (1 of 4 stars; one submission).

Conditions:
Tietz syndrome (TADS). Also called: HYPOPIGMENTATION/DEAFNESS OF TIETZ; ALBINISM-DEAFNESS OF TIETZ; TIETZ ALBINISM-DEAFNESS SYNDROME. Identifiers: Orphanet 42665, MedGen C0391816, MONDO:0007077, OMIM 103500.
Melanoma, cutaneous malignant, susceptibility to, 8. Also called: Cutaneous malignant melanoma 8; MELANOMA AND RENAL CELL CARCINOMA, SUSCEPTIBILITY TO. Identifiers: Orphanet 293822, MedGen C3152204, MONDO:0013759, OMIM 614456.
Waardenburg syndrome type 2A (WS2A). Also called: WAARDENBURG SYNDROME WITHOUT DYSTOPIA CANTHORUM. Identifiers: Orphanet 3440, MedGen C1860339, MONDO:0008671, OMIM 193510.

gnomAD v4.1: 1 of 1,614,088 alleles (0.000062%); highest among the groups gnomAD compares: Non-Finnish European, 0.000085%; no homozygotes.

Submission:

Labcorp Genetics (formerly Invitae), Labcorp
Classification: Uncertain significance for Melanoma, cutaneous malignant, susceptibility to, 8; Waardenburg syndrome type 2A; Tietz syndrome. Last evaluated: 2024-01-03. Review status: criteria provided, single submitter. Criteria: Invitae Variant Classification Sherloc (09022015). Collection method: clinical testing. Allele origin: germline.
Comment: This sequence change replaces glycine, which is neutral and non-polar, with valine, which is neutral and non-polar, at codon 104 of the MITF protein (p.Gly104Val). This variant is not present in population databases (gnomAD no frequency). This variant has not been reported in the literature in individuals affected with MITF-related conditions. An algorithm developed to predict the effect of missense changes on protein structure and function (PolyPhen-2) suggests that this variant is likely to be tolerated. In summary, the available evidence is currently insufficient to determine the role of this variant in disease. Therefore, it has been classified as a Variant of Uncertain Significance.